The following is an entry in ClinVar:

NM_000465.4(BARD1):c.365-16T>C

Gene: BARD1 (BRCA1 associated RING domain 1; minus strand). Cytogenetic location: 2q35.
Variant type: single nucleotide variant.
Coding change: c.365-16T>C on transcript NM_000465.4 (MANE Select); 16 bases into the intron before coding-DNA position 365, T replaced by C.
Molecular consequence: intron variant.
Genome position (GRCh38, 1-based): chr2:214,781,525, A>G on the plus strand (T>C on the coding strand, the complement: BARD1 is on the minus strand). VCF-style: chr2-214781525-A-G. GRCh37 (hg19) VCF-style: chr2-215646249-A-G.
Other names: c.158+27887T>C (NM_001282548.2); c.308-16T>C (NM_001282543.2); c.215+15536T>C (NM_001282545.2); c.364+10772T>C (NM_001282549.2).
Identifiers: ClinVar variation 3379297 (VCV003379297.1).

ClinVar aggregate classification (germline): Likely benign (1 of 4 stars; one submission).

Conditions:
Familial cancer of breast. Also called: hereditary breast carcinoma; Hereditary breast cancer; BREAST CANCER, FAMILIAL. Identifiers: Orphanet 227535, MedGen C0346153, MONDO:0016419, OMIM 114480. Disease mechanism: loss of function.

gnomAD v4.1: 1 of 1,597,268 alleles (0.000063%); no homozygotes.

Submission:

Myriad Genetics, Inc.
Classification: Likely benign for Familial cancer of breast. Last evaluated: 2024-07-19. Review status: criteria provided, single submitter. Criteria: Myriad Autosomal Dominant, Autosomal Recessive and X-Linked Classification Criteria (2023). Collection method: clinical testing. Allele origin: unknown.
Comment: This variant is considered likely benign. This variant is intronic and is not expected to impact mRNA splicing.